The following is an entry in ClinVar:

ClinVar aggregate classification (germline): Uncertain significance. Review status: criteria provided, multiple submitters, no conflicts (2 of 4 stars). 2 submissions from 2 submitters: Uncertain significance (2). Last evaluated 2026-01-12.

Conditions:
MYL4-related disorder. Also called: MYL4-related condition.
Atrial fibrillation, familial, 18 (ATFB18). Identifiers: MedGen C4310636, MONDO:0015001, OMIM 617280.

Submissions (2):

PreventionGenetics, part of Exact Sciences
Classification: Uncertain significance for MYL4-related condition. Last evaluated: 2026-01-12. Review status: criteria provided, single submitter. Criteria: ACMG Guidelines, 2015. Collection method: clinical testing. Allele origin: germline.
Comment: The MYL4 c.72_83dup12 variant is predicted to result in an in-frame duplication (p.Ala28_Pro31dup). To our knowledge, this variant has not been reported in the literature or in a large population database (gnomAD), indicating this variant is rare. At this time, the clinical significance of this variant is uncertain due to the absence of conclusive functional and genetic evidence.

Labcorp Genetics (formerly Invitae), Labcorp
Classification: Uncertain significance for Atrial fibrillation, familial, 18. Last evaluated: 2025-01-07. Review status: criteria provided, single submitter. Criteria: Invitae Variant Classification Sherloc (09022015). Collection method: clinical testing. Allele origin: germline.
Comment: This variant, c.72_83dup, results in the insertion of 4 amino acid(s) of the MYL4 protein (p.Ala28_Pro31dup), but otherwise preserves the integrity of the reading frame. This variant is not present in population databases (gnomAD no frequency). This variant has not been reported in the literature in individuals affected with MYL4-related conditions. Experimental studies and prediction algorithms are not available or were not evaluated, and the functional significance of this variant is currently unknown. In summary, the available evidence is currently insufficient to determine the role of this variant in disease. Therefore, it has been classified as a Variant of Uncertain Significance.

NM_002476.2(MYL4):c.72_83dup (p.Pro31_Glu32insAlaProAlaPro)

Gene: MYL4 (myosin light chain 4; plus strand). Cytogenetic location: 17q21.32.
Variant type: Duplication.
Coding change: c.72_83dup on transcript NM_002476.2 (MANE Select); coding-DNA positions 72 to 83, 12 bases duplicated (ACCAGCCCCTGC).
Protein change: p.Pro31_Glu32insAlaProAlaPro.
Genome position (GRCh38, 1-based): chr17:47,209,494-47,209,505, ACCAGCCCCTGC duplicated; duplicating any 12 consecutive bases within chr17:47,209,483-47,209,505 gives the same sequence; the c. name uses the placement nearest the transcript's 3' end. VCF-style (leftmost placement, unchanged base first): chr17-47209482-T-TCCAGCCCCTGCA. GRCh37 (hg19) VCF-style: chr17-45286848-T-TCCAGCCCCTGCA.
Other names: c.72_83dup12 (NM_001002841.1); c.72_83dup, p.Pro31_Glu32insAlaProAlaPro (NM_001002841.2).
Identifiers: ClinVar variation 3727647 (VCV003727647.3).